The following is an entry in ClinVar:

NM_005996.4(TBX3):c.1240G>A (p.Asp414Asn)

Gene: TBX3 (T-box transcription factor 3; minus strand). Cytogenetic location: 12q24.21.
Variant type: single nucleotide variant.
Coding change: c.1240G>A on transcript NM_005996.4 (MANE Select); coding-DNA position 1240, G replaced by A.
Protein change: p.Asp414Asn; replaces aspartic acid 414 with asparagine.
Molecular consequence: missense variant.
Genome position (GRCh38, 1-based): chr12:114,674,635, C>T on the plus strand (G>A on the coding strand, the complement: TBX3 is on the minus strand). VCF-style: chr12-114674635-C-T. GRCh37 (hg19) VCF-style: chr12-115112440-C-T.
Other names: c.1300G>A, p.Asp434Asn (NM_016569.4); short protein forms D414N, D434N.
Identifiers: ClinVar variation 2733140 (VCV002733140.3), dbSNP rs1033763029, ClinGen allele CA244143804.

ClinVar aggregate classification (germline): Uncertain significance (1 of 4 stars; one submission).

Conditions:
Ulnar-mammary syndrome (UMS). Also called: Ulnar-mammary syndrome of Pallister; PALLISTER ULNAR-MAMMARY SYNDROME; SCHINZEL SYNDROME. Identifiers: Orphanet 3138, MedGen C1866994, MONDO:0008411, OMIM 181450.

Allele frequency attached by ClinVar (database versions not stated): gnomAD exomes 0.00001; TOPMed 0.00002; gnomAD 0.00007.
gnomAD v4.1: 20 of 1,606,216 alleles (0.0012%); highest among the groups gnomAD compares: Admixed American, 0.02%; no homozygotes.

Submission:

Labcorp Genetics (formerly Invitae), Labcorp
Classification: Uncertain significance for Ulnar-mammary syndrome. Last evaluated: 2025-02-18. Review status: criteria provided, single submitter. Criteria: Invitae Variant Classification Sherloc (09022015). Collection method: clinical testing. Allele origin: germline.
Comment: This sequence change replaces aspartic acid, which is acidic and polar, with asparagine, which is neutral and polar, at codon 414 of the TBX3 protein (p.Asp414Asn). The frequency data for this variant in the population databases is considered unreliable, as metrics indicate poor data quality at this position in the gnomAD database. This variant has not been reported in the literature in individuals affected with TBX3-related conditions. ClinVar contains an entry for this variant (Variation ID: 2733140). An algorithm developed to predict the effect of missense changes on protein structure and function (PolyPhen-2) suggests that this variant is likely to be disruptive. In summary, the available evidence is currently insufficient to determine the role of this variant in disease. Therefore, it has been classified as a Variant of Uncertain Significance.